The following is an entry in ClinVar:

NM_000090.4(COL3A1):c.144A>T (p.Glu48Asp)

Gene: COL3A1 (collagen type III alpha 1 chain; plus strand). Cytogenetic location: 2q32.2.
Variant type: single nucleotide variant.
Coding change: c.144A>T on transcript NM_000090.4 (MANE Select); coding-DNA position 144, A replaced by T.
Protein change: p.Glu48Asp; replaces glutamic acid 48 with aspartic acid.
Molecular consequence: missense variant.
Genome position (GRCh38, 1-based): chr2:188,984,824, A>T. VCF-style: chr2-188984824-A-T. GRCh37 (hg19) VCF-style: chr2-189849550-A-T.
Other names: short protein forms E48D.
Identifiers: ClinVar variation 2893926 (VCV002893926.4), dbSNP rs1199014910, ClinGen allele CA349846988.
Genomic context (GRCh38, chr2:188,984,824, plus strand): 5'-TGAAGGAGGATGTTCCCATCTTGGTCAGTCCTATGCGGATAGAGATGTCTGGAAGCCAGA[A>T]CCATGCCAAATATGTGTCTGTGACTCAGGATCCGTTCTCTGCGATGACATAATATGTGAC-3'
Protein context (NP_000081.2, residues 38-58): SYADRDVWKP[Glu48Asp]PCQICVCDSG

ClinVar aggregate classification (germline): Uncertain significance. Review status: criteria provided, multiple submitters, no conflicts (2 of 4 stars). 2 submissions from 2 submitters: Uncertain significance (2). Last evaluated 2024-06-09.

Conditions:
Ehlers-Danlos syndrome, type 4 (EDSVASC). Also called: Ehlers-Danlos syndrome vascular type; Ehlers Danlos syndrome, ecchymotic type; Ehlers Danlos syndrome, arterial type; Ehlers Danlos syndrome, Sack-Barabas type; Ehlers-Danlos Syndrome Type IV. Identifiers: Orphanet 286, MedGen C0268338, MONDO:0017314, OMIM 130050.

Submissions (2):

All of Us Research Program, National Institutes of Health
Classification: Uncertain significance for Ehlers-Danlos syndrome, type 4. Last evaluated: 2024-06-09. Review status: criteria provided, single submitter. Criteria: ACMG Guidelines, 2015. Collection method: clinical testing. Allele origin: germline. Inheritance: Autosomal dominant inheritance. Observed: 1 variant allele, 1 heterozygote.
Comment: This missense variant replaces glutamic acid with aspartic acid at codon 48 of the COL3A1 protein. Computational prediction suggests that this variant may not impact protein structure and function (internally defined REVEL score threshold <= 0.5, PMID: 27666373). To our knowledge, functional studies have not been reported for this variant. This variant has not been reported in individuals affected with COL3A1-related disorders in the literature. This variant has not been identified in the general population by the Genome Aggregation Database (gnomAD). The available evidence is insufficient to determine the role of this variant in disease conclusively. Therefore, this variant is classified as a Variant of Uncertain Significance.

This study involves interpretation of variants in research participants for the purpose of population health screening. Participant phenotype was not available at the time of variant classification. Additional details can be found in publication PMID: 35346344, PMCID: PMC8962531

Labcorp Genetics (formerly Invitae), Labcorp
Classification: Uncertain significance for Ehlers-Danlos syndrome, type 4. Last evaluated: 2023-06-30. Review status: criteria provided, single submitter. Criteria: Invitae Variant Classification Sherloc (09022015). Collection method: clinical testing. Allele origin: germline.
Comment: This variant has not been reported in the literature in individuals affected with COL3A1-related conditions. This sequence change replaces glutamic acid, which is acidic and polar, with aspartic acid, which is acidic and polar, at codon 48 of the COL3A1 protein (p.Glu48Asp). This variant is not present in population databases (gnomAD no frequency). Advanced modeling of protein sequence and biophysical properties (such as structural, functional, and spatial information, amino acid conservation, physicochemical variation, residue mobility, and thermodynamic stability) performed at Invitae indicates that this missense variant is not expected to disrupt COL3A1 protein function. In summary, the available evidence is currently insufficient to determine the role of this variant in disease. Therefore, it has been classified as a Variant of Uncertain Significance.